The following is an entry in ClinVar:

NM_000138.5(FBN1):c.4988G>T (p.Cys1663Phe)

Gene: FBN1 (fibrillin 1; minus strand). Cytogenetic location: 15q21.1.
Variant type: single nucleotide variant.
Coding change: c.4988G>T on transcript NM_000138.5 (MANE Select); coding-DNA position 4988, G replaced by T.
Protein change: p.Cys1663Phe; replaces cysteine 1663 with phenylalanine.
Molecular consequence: missense variant.
Genome position (GRCh38, 1-based): chr15:48,463,976, C>A on the plus strand (G>T on the coding strand, the complement: FBN1 is on the minus strand). VCF-style: chr15-48463976-C-A. GRCh37 (hg19) VCF-style: chr15-48756173-C-A.
Other names: short protein forms C1663F.
Identifiers: ClinVar variation 547325 (VCV000547325.9), dbSNP rs1555396853, ClinGen allele CA392350208.
Genomic context (GRCh38, chr15:48,463,976, plus strand): 5'-CCATTCACTTGCATGTAGTCTGGAGGACAGATACAGGTGTAGTTGCCAACGGTGTTGTAA[C>A]ATGTCCCTGGACCACAGATTCCAGGAGTCTCACATTCATTCACATCTATAATCCAAAGAG-3'
Protein context (NP_000129.3, residues 1653-1673): ETPGICGPGT[Cys1663Phe]YNTVGNYTCI

ClinVar aggregate classification (germline): Pathogenic/Likely pathogenic. Review status: criteria provided, multiple submitters, no conflicts (2 of 4 stars). 3 submissions from 3 submitters: Pathogenic (2); Likely pathogenic (1). Last evaluated 2020-02-18.

Conditions:
Familial thoracic aortic aneurysm and aortic dissection (TAAD). Also called: Thoracic aortic aneurysms and dissections. Identifiers: Orphanet 91387, MedGen C4707243, MONDO:0019625.
Marfan syndrome (MFS). Also called: Marfan syndrome type 1; Marfan syndrome, classic; Marfan's syndrome; FBN1-Related Marfan Syndrome; MARFAN SYNDROME, TYPE I. Identifiers: Orphanet 284963, Orphanet 558, MedGen C0024796, MONDO:0007947, OMIM 154700.
FBN1-related disorder. Also called: FBN1-related disorders.

Submissions (3):

Blueprint Genetics
Classification: Likely pathogenic for FBN1-related disorders. Last evaluated: 2020-02-18. Review status: criteria provided, single submitter. Criteria: ACMG Guidelines, 2015. Collection method: clinical testing. Allele origin: germline. Affected: yes. Observed: 1 variant allele.

Labcorp Genetics (formerly Invitae), Labcorp
Classification: Pathogenic for Marfan syndrome; Familial thoracic aortic aneurysm and aortic dissection. Last evaluated: 2018-06-09. Review status: criteria provided, single submitter. Criteria: Invitae Variant Classification Sherloc (09022015). Collection method: clinical testing. Allele origin: germline.
Comment: This variant generates a cysteine residue in an epidermal-growth-factor (EGF)–like domain of the FBN1 protein. Cysteine residues in these domains have been shown to be involved in the formation of disulfide bridges, which are critical for FBN1 protein structure and stability (PMID: 4750422, 16677079). Cysteine creating variants in these domains have been shown to affect protein stability and are overrepresented among individuals with Marfan syndrome (PMID: 15161917, 16571647, 17701892). For these reasons, this variant has been classified as Pathogenic. Algorithms developed to predict the effect of missense changes on protein structure and function are either unavailable or do not agree on the potential impact of this missense change (SIFT: "Deleterious"; PolyPhen-2: "Probably Damaging"; Align-GVGD: "Class C0"). Variants that disrupt the p.Cys1663 amino acid residue in FBN1 have been observed in affected individuals (PMID: 1301946, 16222657). This suggests that it is a clinically significant residue, and that other variants that disrupt this residue are likely to be causative of disease. This variant has been observed in individuals affected with FBN1-related disease (PMID: 16835936, Invitae). This variant is not present in population databases (ExAC no frequency). This sequence change replaces cysteine with phenylalanine at codon 1663 of the FBN1 protein (p.Cys1663Phe). The cysteine residue is highly conserved and there is a large physicochemical difference between cysteine and phenylalanine.

Center for Human Genetics, Inc
Classification: Pathogenic for Marfan syndrome. Last evaluated: 2016-11-01. Review status: criteria provided, single submitter. Criteria: ACMG Guidelines, 2015. Collection method: clinical testing. Allele origin: germline. Affected: yes.

Literature cited by the submitters: PubMed 4750422 (cited by Labcorp Genetics (formerly Invitae), Labcorp); PubMed 16677079 (cited by Labcorp Genetics (formerly Invitae), Labcorp); PubMed 15161917 (cited by Labcorp Genetics (formerly Invitae), Labcorp); PubMed 16571647 (cited by Labcorp Genetics (formerly Invitae), Labcorp); PubMed 17701892 (cited by Labcorp Genetics (formerly Invitae), Labcorp); PubMed 1301946 (cited by Labcorp Genetics (formerly Invitae), Labcorp); PubMed 16222657 (cited by Labcorp Genetics (formerly Invitae), Labcorp); PubMed 16835936 (cited by Labcorp Genetics (formerly Invitae), Labcorp).